The following is an entry in ClinVar:

ClinVar aggregate classification (germline): Likely benign (0 of 4 stars; one submission).

Conditions:
MUC16-related disorder. Also called: MUC16-related condition.

Submission:

PreventionGenetics, part of Exact Sciences
Classification: Likely benign for MUC16-related condition. Last evaluated: 2019-09-24. Review status: no assertion criteria provided. Collection method: clinical testing. Allele origin: germline.
Comment: This variant is classified as likely benign based on ACMG/AMP sequence variant interpretation guidelines (Richards et al. 2015 PMID: 25741868, with internal and published modifications).

NM_001401501.2(MUC16):c.38732-10T>C

Gene: MUC16 (mucin 16, cell surface associated; minus strand). Cytogenetic location: 19p13.2.
Variant type: single nucleotide variant.
Coding change: c.38732-10T>C on transcript NM_001401501.2 (MANE Select); 10 bases into the intron before coding-DNA position 38732, T replaced by C.
Molecular consequence: intron variant.
Genome position (GRCh38, 1-based): chr19:8,902,232, A>G on the plus strand (T>C on the coding strand, the complement: MUC16 is on the minus strand). VCF-style: chr19-8902232-A-G. GRCh37 (hg19) VCF-style: chr19-9012908-A-G.
Other names: c.39158-10T>C (NM_001414686.1); c.38612-10T>C (NM_001414687.1); c.38546-10T>C (NM_024690.2).
Identifiers: ClinVar variation 3055928 (VCV003055928.2), dbSNP rs77209900, ClinGen allele CA305021903.
Genomic context (GRCh38, chr19:8,902,232, plus strand): 5'-GGTTGGTGATGGTGAAGTTGAGGGTGAATGGCACCAGGAGAGGGCCAGCAGCTGTAGTGG[A>G]GGTGGGAAACAAACACTATGTCCAAAGTAGAGAAAATAGGAGTTTGCAATAGACTTATCT-3'